The following is an entry in ClinVar:

NM_005609.4(PYGM):c.1685C>T (p.Ser562Leu)

Gene: PYGM (glycogen phosphorylase, muscle associated; minus strand). Cytogenetic location: 11q13.1.
Variant type: single nucleotide variant.
Coding change: c.1685C>T on transcript NM_005609.4 (MANE Select); coding-DNA position 1685, C replaced by T.
Protein change: p.Ser562Leu; replaces serine 562 with leucine.
Molecular consequence: missense variant.
Genome position (GRCh38, 1-based): chr11:64,752,007, G>A on the plus strand (C>T on the coding strand, the complement: PYGM is on the minus strand). VCF-style: chr11-64752007-G-A. GRCh37 (hg19) VCF-style: chr11-64519479-G-A.
Other names: c.1421C>T, p.Ser474Leu (NM_001164716.1); short protein forms S474L, S562L.
Identifiers: ClinVar variation 2908894 (VCV002908894.3), dbSNP rs1182548085, ClinGen allele CA381170852.

ClinVar aggregate classification (germline): Uncertain significance (1 of 4 stars; one submission).

Conditions:
Glycogen storage disease, type V (GSD5). Also called: PYGM DEFICIENCY; McArdle type glycogen storage disease; MCARDLE DISEASE; MUSCLE GLYCOGEN PHOSPHORYLASE DEFICIENCY; MYOPHOSPHORYLASE DEFICIENCY. Identifiers: Orphanet 368, MedGen C0017924, MONDO:0009293, OMIM 232600.

Allele frequency attached by ClinVar (database versions not stated): TOPMed 0.00001.
gnomAD v4.1: 1 of 1,614,156 alleles (0.000062%); no homozygotes.

Submission:

Labcorp Genetics (formerly Invitae), Labcorp
Classification: Uncertain significance for Glycogen storage disease, type V. Last evaluated: 2023-06-30. Review status: criteria provided, single submitter. Criteria: Invitae Variant Classification Sherloc (09022015). Collection method: clinical testing. Allele origin: germline.
Comment: This sequence change replaces serine, which is neutral and polar, with leucine, which is neutral and non-polar, at codon 562 of the PYGM protein (p.Ser562Leu). This variant is not present in population databases (gnomAD no frequency). In summary, the available evidence is currently insufficient to determine the role of this variant in disease. Therefore, it has been classified as a Variant of Uncertain Significance. Advanced modeling of protein sequence and biophysical properties (such as structural, functional, and spatial information, amino acid conservation, physicochemical variation, residue mobility, and thermodynamic stability) performed at Invitae indicates that this missense variant is expected to disrupt PYGM protein function. This variant has not been reported in the literature in individuals affected with PYGM-related conditions.